The following is an entry in ClinVar:

NM_000095.3(COMP):c.1043G>A (p.Cys348Tyr)

Gene: COMP (cartilage oligomeric matrix protein; minus strand). Cytogenetic location: 19p13.11.
Variant type: single nucleotide variant.
Coding change: c.1043G>A on transcript NM_000095.3 (MANE Select); coding-DNA position 1043, G replaced by A.
Protein change: p.Cys348Tyr; replaces cysteine 348 with tyrosine.
Molecular consequence: missense variant.
Genome position (GRCh38, 1-based): chr19:18,787,583, C>T on the plus strand (G>A on the coding strand, the complement: COMP is on the minus strand). VCF-style: chr19-18787583-C-T. GRCh37 (hg19) VCF-style: chr19-18898392-C-T.
Other names: short protein forms C348Y.
Identifiers: ClinVar variation 1478727 (VCV001478727.8), dbSNP rs2145902259, ClinGen allele CA404888452.
Genomic context (GRCh38, chr19:18,787,583, plus strand): 5'-CCCCGGCCGTCCTGGTCTGTGTCCTTTTGGTCGTCGTTCTTCTGGGACCGGCAGTTGTCG[C>T]ACGCATCGCCCCACTTGTCCTCGTCCGTGTTGCGCTGGTCTGGGTTCCGCACCAGCGGGC-3'
Protein context (NP_000086.2, residues 338-358): NTDEDKWGDA[Cys348Tyr]DNCRSQKNDD

ClinVar aggregate classification (germline): Likely pathogenic (1 of 4 stars; one submission).

Submission:

Labcorp Genetics (formerly Invitae), Labcorp
Classification: Likely pathogenic. Last evaluated: 2022-01-13. Review status: criteria provided, single submitter. Criteria: Invitae Variant Classification Sherloc (09022015). Collection method: clinical testing. Allele origin: germline.
Comment: Advanced modeling of protein sequence and biophysical properties (such as structural, functional, and spatial information, amino acid conservation, physicochemical variation, residue mobility, and thermodynamic stability) performed at Invitae indicates that this missense variant is expected to disrupt COMP protein function. In summary, the currently available evidence indicates that the variant is pathogenic, but additional data are needed to prove that conclusively. Therefore, this variant has been classified as Likely Pathogenic. This variant disrupts the p.Cys348 amino acid residue in COMP. Other variant(s) that disrupt this residue have been determined to be pathogenic (PMID: 11746045, 21922596, 24595329). This suggests that this residue is clinically significant, and that variants that disrupt this residue are likely to be disease-causing. This missense change has been observed in individual(s) with multiple epiphyseal dysplasia (Invitae). This variant is not present in population databases (gnomAD no frequency). This sequence change replaces cysteine, which is neutral and slightly polar, with tyrosine, which is neutral and polar, at codon 348 of the COMP protein (p.Cys348Tyr).

Literature cited by the submitters: PubMed 11746045; PubMed 21922596; PubMed 24595329.